The following is an entry in ClinVar:

NM_000081.4(LYST):c.8425G>T (p.Glu2809Ter)

Gene: LYST (lysosomal trafficking regulator; minus strand). Cytogenetic location: 1q42.3.
Variant type: single nucleotide variant.
Coding change: c.8425G>T on transcript NM_000081.4 (MANE Select); coding-DNA position 8425, G replaced by T.
Protein change: p.Glu2809Ter; replaces glutamic acid 2809 with a stop codon.
Molecular consequence: nonsense.
Genome position (GRCh38, 1-based): chr1:235,734,593, C>A on the plus strand (G>T on the coding strand, the complement: LYST is on the minus strand). VCF-style: chr1-235734593-C-A. GRCh37 (hg19) VCF-style: chr1-235897893-C-A.
Other names: p.Glu2809*; c.8425G>T, p.Glu2809Ter (NM_001301365.1); short protein forms E2809*.
Identifiers: ClinVar variation 4542374 (VCV004542374.2).
Genomic context (GRCh38, chr1:235,734,593, plus strand): 5'-TGCACTTGTGACCACATAACTTCAAAGCATTCATAAGCAGTTCTGCTGTGCCTAGCTCTT[C>A]TTCAGTCAATTCACCTTGGTGATTATGTATCAACTCTGACAAATACAAAACTAACTTGGC-3'

ClinVar aggregate classification (germline): Pathogenic. Review status: criteria provided, multiple submitters, no conflicts (2 of 4 stars). 2 submissions from 2 submitters: Pathogenic (2). Last evaluated 2025-06-11.

Conditions:
Chédiak-Higashi syndrome (CHS). Also called: Chediak-Higashi Syndrome. Identifiers: Orphanet 167, MedGen C0007965, MONDO:0008963, OMIM 214500.

Submissions (2):

Labcorp Genetics (formerly Invitae), Labcorp
Classification: Pathogenic for Chédiak-Higashi syndrome. Last evaluated: 2025-06-11. Review status: criteria provided, single submitter. Criteria: Invitae Variant Classification Sherloc (09022015). Collection method: clinical testing. Allele origin: germline.
Comment: This sequence change creates a premature translational stop signal (p.Glu2809*) in the LYST gene. It is expected to result in an absent or disrupted protein product. Loss-of-function variants in LYST are known to be pathogenic (PMID: 9215679, 11857544). This variant is not present in population databases (gnomAD no frequency). This variant has not been reported in the literature in individuals affected with LYST-related conditions. Algorithms developed to predict the effect of sequence changes on RNA splicing suggest that this variant may disrupt the consensus splice site. For these reasons, this variant has been classified as Pathogenic.

Mayo Clinic Laboratories, Mayo Clinic
Classification: Pathogenic. Last evaluated: 2025-05-14. Review status: criteria provided, single submitter. Criteria: ACMG Guidelines, 2015. Collection method: clinical testing. Allele origin: germline. Observed: 1 variant allele.
Comment: PM2_supporting, PM3, PVS1

Literature cited by the submitters: PubMed 9215679 (cited by Labcorp Genetics (formerly Invitae), Labcorp and Mayo Clinic Laboratories, Mayo Clinic); PubMed 11857544 (cited by Labcorp Genetics (formerly Invitae), Labcorp and Mayo Clinic Laboratories, Mayo Clinic).